The following is an entry in ClinVar:

ClinVar aggregate classification (germline): Uncertain significance (1 of 4 stars; one submission).

Submission:

Labcorp Genetics (formerly Invitae), Labcorp
Classification: Uncertain significance. Last evaluated: 2022-10-30. Review status: criteria provided, single submitter. Criteria: Invitae Variant Classification Sherloc (09022015). Collection method: clinical testing. Allele origin: germline.
Comment: In summary, the available evidence is currently insufficient to determine the role of this variant in disease. Therefore, it has been classified as a Variant of Uncertain Significance. Algorithms developed to predict the effect of missense changes on protein structure and function are either unavailable or do not agree on the potential impact of this missense change (SIFT: "Deleterious"; PolyPhen-2: "Benign"; Align-GVGD: "Class C0"). This variant has not been reported in the literature in individuals affected with ERBIN-related conditions. This variant is not present in population databases (gnomAD no frequency). This sequence change replaces aspartic acid, which is acidic and polar, with asparagine, which is neutral and polar, at codon 592 of the ERBIN protein (p.Asp592Asn).

NM_001253697.2(ERBIN):c.1774G>A (p.Asp592Asn)

Gene: ERBIN (erbb2 interacting protein; plus strand). Cytogenetic location: 5q12.3.
Variant type: single nucleotide variant.
Coding change: c.1774G>A on transcript NM_001253697.2 (MANE Select); coding-DNA position 1774, G replaced by A.
Protein change: p.Asp592Asn; replaces aspartic acid 592 with asparagine.
Molecular consequence: missense variant.
Genome position (GRCh38, 1-based): chr5:66,046,524, G>A. VCF-style: chr5-66046524-G-A. GRCh37 (hg19) VCF-style: chr5-65342352-G-A.
Other names: c.1774G>A, p.Asp592Asn (NM_001006600.3, NM_001253698.2, NM_001253699.2 and 1 more transcripts); c.1762G>A, p.Asp588Asn (NM_001253701.2); short protein forms D592N, D588N.
Identifiers: ClinVar variation 2810777 (VCV002810777.3), dbSNP rs2546786958, ClinGen allele CA359862871.